The following is an entry in ClinVar:

ClinVar aggregate classification (germline): Likely pathogenic (1 of 4 stars; one submission).

Conditions:
NAD(P)HX dehydratase deficiency. Also called: Encephalopathy, progressive, early-onset, with brain edema and/or leukoencephalopathy, 2. Identifiers: Orphanet 555402, MedGen C5193026, MONDO:0034121, OMIM 618321.

Submission:

3billion
Classification: Likely pathogenic for NAD(P)HX dehydratase deficiency. Last evaluated: 2023-02-23. Review status: criteria provided, single submitter. Criteria: ACMG Guidelines, 2015. Collection method: clinical testing. Allele origin: unknown. Affected: yes.
Comment: The variant is not observed in the gnomAD v2.1.1 dataset. This variant was predicted to alter splicing and result in a loss or disruption of normal protein function. Multiple pathogenic loss-of-function variants are reported downstream of the variant. Therefore, this variant is classified as Likely pathogenic according to the recommendation of ACMG/AMP guideline.

NM_001242882.2(NAXD):c.442-1G>A

Gene: NAXD (NAD(P)HX dehydratase; plus strand). Cytogenetic location: 13q34.
Variant type: single nucleotide variant.
Coding change: c.442-1G>A on transcript NM_001242882.2 (MANE Select); the canonical splice acceptor site of the intron before coding-DNA position 442, G replaced by A.
Molecular consequence: splice acceptor variant.
Genome position (GRCh38, 1-based): chr13:110,634,544, G>A. VCF-style: chr13-110634544-G-A. GRCh37 (hg19) VCF-style: chr13-111286891-G-A.
Other names: c.166-1G>A (NM_001242883.2); c.496-1G>A (NM_018210.4, NM_001242881.2).
Identifiers: ClinVar variation 2444094 (VCV002444094.1), dbSNP rs2501698949, ClinGen allele CA388733724.